The following is an entry in ClinVar:

ClinVar aggregate classification (germline): Uncertain significance (1 of 4 stars; one submission).

Conditions:
Early-infantile DEE. Also called: Early infantile epileptic encephalopathy with suppression bursts; Early infantile epileptic encephalopathy; Ohtahara syndrome. Identifiers: Orphanet 1934, MedGen C0393706, MONDO:0800491.

Submission:

Labcorp Genetics (formerly Invitae), Labcorp
Classification: Uncertain significance for Early-infantile DEE. Last evaluated: 2023-07-07. Review status: criteria provided, single submitter. Criteria: Invitae Variant Classification Sherloc (09022015). Collection method: clinical testing. Allele origin: germline.
Comment: In summary, the available evidence is currently insufficient to determine the role of this variant in disease. Therefore, it has been classified as a Variant of Uncertain Significance. Advanced modeling of protein sequence and biophysical properties (such as structural, functional, and spatial information, amino acid conservation, physicochemical variation, residue mobility, and thermodynamic stability) performed at Invitae indicates that this missense variant is expected to disrupt SCN1A protein function. This missense change has been observed in individual(s) with clinical features of SCN1A-related conditions (Invitae). This variant is not present in population databases (gnomAD no frequency). This sequence change replaces arginine, which is basic and polar, with lysine, which is basic and polar, at codon 1445 of the SCN1A protein (p.Arg1445Lys).

NM_001165963.4(SCN1A):c.4334G>A (p.Arg1445Lys)

Genes: SCN1A (sodium voltage-gated channel alpha subunit 1; minus strand), LOC102724058 (uncharacterized LOC102724058; plus strand). Cytogenetic location: 2q24.3.
Variant type: single nucleotide variant.
Coding change: c.4334G>A on transcript NM_001165963.4 (MANE Select); coding-DNA position 4334, G replaced by A.
Protein change: p.Arg1445Lys; replaces arginine 1445 with lysine.
Molecular consequence: missense variant. On other transcripts: non-coding transcript variant (1).
Genome position (GRCh38, 1-based): chr2:165,999,727, C>T on the plus strand (G>A on the coding strand, the complement: SCN1A is on the minus strand). VCF-style: chr2-165999727-C-T. GRCh37 (hg19) VCF-style: chr2-166856237-C-T.
Other names: c.4298G>A, p.Arg1433Lys (NM_001353955.2, NM_001353954.2); c.4250G>A, p.Arg1417Lys (NM_001353957.2, NM_001353958.2, NM_001165964.3); c.4247G>A, p.Arg1416Lys (NM_001353960.2); c.1892G>A, p.Arg631Lys (NM_001353961.2); c.4301G>A, p.Arg1434Lys (NM_006920.6, NM_001353949.2, NM_001353950.2 and 2 more transcripts); c.4334G>A, p.Arg1445Lys (NM_001202435.3, NM_001353948.2); short protein forms R1416K, R1434K, R1445K, R631K, R1417K, R1433K.
Identifiers: ClinVar variation 2717969 (VCV002717969.3), dbSNP rs2468407969, ClinGen allele CA349049538.
Genomic context (GRCh38, chr2:165,999,727, plus strand): 5'-TAATTTTACCACCTGATCAATATTGTAAAAAGACTTAGAATACAAGGAATACTTACATTT[C>T]TGGAATCAACTGCTGCATACATTATATCCATCCATCCTTTGAATGTGGCCTATTAAGAAG-3'
Protein context (NP_001159435.1, residues 1435-1455): MDIMYAAVDS[Arg1445Lys]NVELQPKYEE